The following is an entry in ClinVar:

ClinVar aggregate classification (germline): Likely benign. Review status: criteria provided, multiple submitters, no conflicts (2 of 4 stars). 3 submissions from 3 submitters: Likely benign (2). 1 of the submissions does not count toward it. Last evaluated 2024-11-05.

Conditions:
FOXH1-related disorder. Also called: FOXH1-related condition.
Holoprosencephaly sequence (HPE). Also called: Holoprosencephaly. Identifiers: Orphanet 2162, MedGen C0079541, MONDO:0016296, HP:0001360.

Allele frequency attached by ClinVar (database versions not stated): ExAC 0.00003; gnomAD exomes 0.00005; gnomAD 0.00007 and 0.00009; TOPMed 0.00011.

Submissions (3):

Labcorp Genetics (formerly Invitae), Labcorp
Classification: Likely benign for Holoprosencephaly sequence. Last evaluated: 2024-11-05. Review status: criteria provided, single submitter. Criteria: Invitae Variant Classification Sherloc (09022015). Collection method: clinical testing. Allele origin: germline.

Blueprint Genetics
Classification: Likely benign. Last evaluated: 2023-01-18. Review status: criteria provided, single submitter. Criteria: ACMG Guidelines, 2015. Collection method: clinical testing. Allele origin: germline.

PreventionGenetics, part of Exact Sciences
Classification: Likely benign for FOXH1-related condition. Last evaluated: 2019-10-16. Review status: no assertion criteria provided. Collection method: clinical testing. Allele origin: germline. Not counted in ClinVar's aggregate classification.
Comment: This variant is classified as likely benign based on ACMG/AMP sequence variant interpretation guidelines (Richards et al. 2015 PMID: 25741868, with internal and published modifications).

NM_003923.3(FOXH1):c.477C>G (p.Pro159=)

Gene: FOXH1 (forkhead box H1; minus strand). Cytogenetic location: 8q24.3.
Variant type: single nucleotide variant.
Coding change: c.477C>G on transcript NM_003923.3 (MANE Select); coding-DNA position 477, C replaced by G.
Protein change: p.Pro159=; no amino-acid change (proline 159 retained).
Molecular consequence: synonymous variant.
Genome position (GRCh38, 1-based): chr8:144,474,859, G>C on the plus strand (C>G on the coding strand, the complement: FOXH1 is on the minus strand). VCF-style: chr8-144474859-G-C. GRCh37 (hg19) VCF-style: chr8-145700242-G-C.
Other names: c.477C>G (NM_003923.2).
Identifiers: ClinVar variation 1537620 (VCV001537620.11), dbSNP rs748361546, ClinGen allele CA4945525.